The following is an entry in ClinVar:

ClinVar aggregate classification (germline): Uncertain significance. Review status: criteria provided, multiple submitters, no conflicts (2 of 4 stars). 2 submissions from 2 submitters: Uncertain significance (2). Last evaluated 2025-11-21.

Conditions:
KMT2D-related disorder. Also called: KMT2D-Related Disorders.
Kabuki syndrome. Also called: NIIKAWA-KUROKI SYNDROME; Kabuki make-up syndrome. Identifiers: Orphanet 2322, MedGen C0796004, MONDO:0016512.

Submissions (2):

PreventionGenetics, part of Exact Sciences
Classification: Uncertain significance for KMT2D-related condition. Last evaluated: 2025-11-21. Review status: criteria provided, single submitter. Criteria: ACMG Guidelines, 2015. Collection method: clinical testing. Allele origin: germline.
Comment: The KMT2D c.11775_11801del27 variant is predicted to result in an in-frame deletion (p.Leu3926_Gln3934del). To our knowledge, this variant has not been reported in the literature or in a large population database (gnomAD), indicating this variant is rare. At this time, the clinical significance of this variant is uncertain due to the absence of conclusive functional and genetic evidence.

Labcorp Genetics (formerly Invitae), Labcorp
Classification: Uncertain significance for Kabuki syndrome. Last evaluated: 2025-10-06. Review status: criteria provided, single submitter. Criteria: Invitae Variant Classification Sherloc (09022015). Collection method: clinical testing. Allele origin: germline.
Comment: This variant, c.11775_11801del, results in the deletion of 9 amino acid(s) of the KMT2D protein (p.Leu3926_Gln3934del), but otherwise preserves the integrity of the reading frame. This variant is not present in population databases (gnomAD no frequency). This variant has not been reported in the literature in individuals affected with KMT2D-related conditions. Experimental studies and prediction algorithms are not available or were not evaluated, and the functional significance of this variant is currently unknown. In summary, the available evidence is currently insufficient to determine the role of this variant in disease. Therefore, it has been classified as a Variant of Uncertain Significance.

NM_003482.4(KMT2D):c.11775_11801del (p.Leu3926_Gln3934del)

Gene: KMT2D (lysine methyltransferase 2D; minus strand). Cytogenetic location: 12q13.12.
Variant type: Deletion.
Coding change: c.11775_11801del on transcript NM_003482.4 (MANE Select); coding-DNA positions 11775 to 11801, 27 bases deleted (ACTTCAGCAGCAACAGCTTCAACAGCA).
Protein change: p.Leu3926_Gln3934del.
Molecular consequence: inframe deletion.
Genome position (GRCh38, 1-based): chr12:49,032,904-49,032,930, TGCTGTTGAAGCTGTTGCTGCTGAAGT deleted on the plus strand (ACTTCAGCAGCAACAGCTTCAACAGCA on the coding strand, the reverse complement: KMT2D is on the minus strand); deleting any 27 consecutive bases within chr12:49,032,904-49,032,938 gives the same sequence; the c. name uses the placement nearest the transcript's 3' end. VCF-style (leftmost placement, unchanged base first): chr12-49032903-CTGCTGTTGAAGCTGTTGCTGCTGAAGT-C. GRCh37 (hg19) VCF-style: chr12-49426686-CTGCTGTTGAAGCTGTTGCTGCTGAAGT-C.
Other names: c.11775_11801del27 (NM_003482.3).
Identifiers: ClinVar variation 4728316 (VCV004728316.2).